The following is an entry in ClinVar:

NM_138477.4(CDAN1):c.3188C>T (p.Thr1063Met)

Gene: CDAN1 (codanin 1; minus strand). Cytogenetic location: 15q15.2.
Variant type: single nucleotide variant.
Coding change: c.3188C>T on transcript NM_138477.4 (MANE Select); coding-DNA position 3188, C replaced by T.
Protein change: p.Thr1063Met; replaces threonine 1063 with methionine.
Molecular consequence: missense variant.
Genome position (GRCh38, 1-based): chr15:42,726,326, G>A on the plus strand (C>T on the coding strand, the complement: CDAN1 is on the minus strand). VCF-style: chr15-42726326-G-A. GRCh37 (hg19) VCF-style: chr15-43018524-G-A.
Other names: p.Thr1063Met; short protein forms T1063M.
Identifiers: ClinVar variation 885088 (VCV000885088.15), dbSNP rs143857276, ClinGen allele CA7515254.

ClinVar aggregate classification (germline): Uncertain significance. Review status: criteria provided, multiple submitters, no conflicts (2 of 4 stars). 5 submissions from 5 submitters: Uncertain significance (5). Last evaluated 2026-01-21.

Conditions:
Congenital dyserythropoietic anemia, type I. Also called: Dyserythropoietic anemia, congenital type 1. Identifiers: Orphanet 98869, MedGen C0271933, MONDO:0020337. Disease mechanism: loss of function.
Anemia, congenital dyserythropoietic, type 1a (CDAN1A). Also called: CDAN1-Related Congenital Dyserythropoietic Anemia; DYSERYTHROPOIETIC ANEMIA, CONGENITAL, TYPE Ia. Identifiers: MedGen C5574667, MONDO:0009135, OMIM 224120.

Allele frequency attached by ClinVar (database versions not stated): 1000 Genomes Project 30x 0.00016; 1000 Genomes Project 0.00020; gnomAD exomes 0.00042 and 0.00055; ESP Exome Variant Server 0.00046; gnomAD 0.00048 and 0.00054; TOPMed 0.00049; ExAC 0.00075.
gnomAD v4.1: 860 of 1,590,084 alleles (0.054%); highest among the groups gnomAD compares: Non-Finnish European, 0.064%; 1 homozygote.

Submissions (5):

Labcorp Genetics (formerly Invitae), Labcorp
Classification: Uncertain significance. Last evaluated: 2026-01-21. Review status: criteria provided, single submitter. Criteria: Invitae Variant Classification Sherloc (09022015). Collection method: clinical testing. Allele origin: germline.
Comment: This sequence change replaces threonine, which is neutral and polar, with methionine, which is neutral and non-polar, at codon 1063 of the CDAN1 protein (p.Thr1063Met). This variant is present in population databases (rs143857276, gnomAD 0.07%). This variant has not been reported in the literature in individuals affected with CDAN1-related conditions. ClinVar contains an entry for this variant (Variation ID: 885088). An algorithm developed to predict the effect of missense changes on protein structure and function outputs the following: PolyPhen-2: "Benign". The methionine amino acid residue is found in multiple mammalian species, which suggests that this missense change does not adversely affect protein function. In summary, the available evidence is currently insufficient to determine the role of this variant in disease. Therefore, it has been classified as a Variant of Uncertain Significance.

Mayo Clinic Laboratories, Mayo Clinic
Classification: Uncertain significance. Last evaluated: 2025-10-30. Review status: criteria provided, single submitter. Criteria: ACMG Guidelines, 2015. Collection method: clinical testing. Allele origin: germline. Observed: 4 variant alleles.
Comment: BP4

ARUP Laboratories, Molecular Genetics and Genomics, ARUP Laboratories
Classification: Uncertain significance for Anemia, congenital dyserythropoietic, type 1a. Last evaluated: 2025-04-25. Review status: criteria provided, single submitter. Criteria: ARUP Molecular Germline Variant Investigation Process 2024. Collection method: clinical testing. Allele origin: germline.
Comment: The CDAN1 c.3188C>T; p.Thr1063Met variant (rs143857276), to our knowledge, is not reported in the medical literature but is reported in ClinVar (Variation ID: 885088). This variant is found in the general population with an overall allele frequency of 0.04% (102/237754 alleles) in the Genome Aggregation Database (v2.1.1). Computational analyses are uncertain whether this variant is neutral or deleterious (REVEL: 0.156). Due to limited information, the clinical significance of this variant is uncertain at this time.

Revvity Omics, Revvity
Classification: Uncertain significance for Anemia, congenital dyserythropoietic, type 1a. Last evaluated: 2024-10-27. Review status: criteria provided, single submitter. Criteria: ACMG Guidelines, 2015. Collection method: clinical testing. Allele origin: germline.

Illumina Laboratory Services, Illumina
Classification: Uncertain significance for Anemia, congenital dyserythropoietic, type 1a. Last evaluated: 2017-06-19. Review status: criteria provided, single submitter. Criteria: ICSL Variant Classification Criteria 13 December 2019. Collection method: clinical testing. Allele origin: germline.
Comment: This variant was observed as part of a predisposition screen in an ostensibly healthy population. A literature search was performed for the gene, cDNA change, and amino acid change (where applicable). Publications were found based on this search. However, the evidence from the literature, in combination with allele frequency data from public databases where available, was not sufficient to rule this variant in or out of causing disease. Therefore, this variant is classified as a variant of unknown significance.

Literature cited by the submitters: PubMed 27827297 (cited by Illumina Laboratory Services, Illumina).